The following is an entry in ClinVar:

NM_002435.3(MPI):c.849C>T (p.Cys283=)

Gene: MPI (mannose phosphate isomerase; plus strand). Cytogenetic location: 15q24.1.
Variant type: single nucleotide variant.
Coding change: c.849C>T on transcript NM_002435.3 (MANE Select); coding-DNA position 849, C replaced by T.
Protein change: p.Cys283=; no amino-acid change (cysteine 283 retained).
Molecular consequence: synonymous variant. On other transcripts: intron variant (1).
Genome position (GRCh38, 1-based): chr15:74,897,015, C>T. VCF-style: chr15-74897015-C-T. GRCh37 (hg19) VCF-style: chr15-75189356-C-T.
Other names: c.699C>T, p.Cys233= (NM_001289156.2); c.666C>T, p.Cys222= (NM_001289157.2); c.789C>T, p.Cys263= (NM_001330372.2); c.845-497C>T (NM_001289155.2).
Identifiers: ClinVar variation 755362 (VCV000755362.16), dbSNP rs377419930, ClinGen allele CA7662587.
Genomic context (GRCh38, chr15:74,897,015, plus strand): 5'-AACTGGAGAGCTAAGGCATACTTCATCAGCTTAGCACATGACGACTGTCTCTCCAGACTG[C>T]GTGGAGTGCATGGCGTGTTCAGACAACACAGTTCGTGCTGGCCTGACACCCAAGTTCATT-3'
Protein context (NP_002426.1, residues 273-293): NVPHAYLKGD[Cys283=]VECMACSDNT

ClinVar aggregate classification (germline): Conflicting classifications of pathogenicity. Review status: criteria provided, conflicting classifications (1 of 4 stars). 3 submissions from 3 submitters: Uncertain significance (1); Likely benign (2). Last evaluated 2026-05-07.

Conditions:
MPI-related disorder. Also called: MPI-related condition.
MPI-congenital disorder of glycosylation. Also called: MPI-CDG; MPI DEFICIENCY; MANNOSEPHOSPHATE ISOMERASE DEFICIENCY; CONGENITAL DISORDER OF GLYCOSYLATION, TYPE Ib; PROTEIN-LOSING ENTEROPATHY-HEPATIC FIBROSIS SYNDROME; CDG Ib. Identifiers: Orphanet 79319, MedGen C1865145, MONDO:0011257, OMIM 602579.

Allele frequency attached by ClinVar (database versions not stated): ExAC 0.00002; gnomAD exomes 0.00004 and 0.00008; TOPMed 0.00005; gnomAD 0.00007; ESP Exome Variant Server 0.00015.

Submissions (3):

PreventionGenetics, part of Exact Sciences
Classification: Likely benign for MPI-related condition. Last evaluated: 2026-05-07. Review status: criteria provided, single submitter. Criteria: ACMG Guidelines, 2015. Collection method: clinical testing. Allele origin: germline.
Comment: This variant is classified as likely benign based on ACMG/AMP sequence variant interpretation guidelines (Richards et al. 2015 PMID: 25741868, with internal and published modifications).

Labcorp Genetics (formerly Invitae), Labcorp
Classification: Likely benign for MPI-congenital disorder of glycosylation. Last evaluated: 2026-01-22. Review status: criteria provided, single submitter. Criteria: Invitae Variant Classification Sherloc (09022015). Collection method: clinical testing. Allele origin: germline.

Illumina Laboratory Services, Illumina
Classification: Uncertain significance for MPI-congenital disorder of glycosylation. Last evaluated: 2018-01-13. Review status: criteria provided, single submitter. Criteria: ICSL Variant Classification Criteria 13 December 2019. Collection method: clinical testing. Allele origin: germline.